The following is an entry in ClinVar:

ClinVar aggregate classification (germline): Uncertain significance. Review status: criteria provided, multiple submitters, no conflicts (2 of 4 stars). 2 submissions from 2 submitters: Uncertain significance (2). Last evaluated 2025-06-28.

gnomAD v4.1: 23 of 1,613,858 alleles (0.0014%); highest among the groups gnomAD compares: South Asian, 0.021%; no homozygotes.

Submissions (2):

Labcorp Genetics (formerly Invitae), Labcorp
Classification: Uncertain significance. Last evaluated: 2025-06-28. Review status: criteria provided, single submitter. Criteria: Invitae Variant Classification Sherloc (09022015). Collection method: clinical testing. Allele origin: germline.
Comment: This sequence change replaces alanine, which is neutral and non-polar, with serine, which is neutral and polar, at codon 448 of the POLR3B protein (p.Ala448Ser). This variant is present in population databases (rs746506474, gnomAD 0.02%). This variant has not been reported in the literature in individuals affected with POLR3B-related conditions. Invitae Evidence Modeling of protein sequence and biophysical properties (such as structural, functional, and spatial information, amino acid conservation, physicochemical variation, residue mobility, and thermodynamic stability) indicates that this missense variant is not expected to disrupt POLR3B protein function with a negative predictive value of 80%. In summary, the available evidence is currently insufficient to determine the role of this variant in disease. Therefore, it has been classified as a Variant of Uncertain Significance.

Mayo Clinic Laboratories, Mayo Clinic
Classification: Uncertain significance. Last evaluated: 2025-06-04. Review status: criteria provided, single submitter. Criteria: ACMG Guidelines, 2015. Collection method: clinical testing. Allele origin: germline. Observed: 1 variant allele.

NM_018082.6(POLR3B):c.1342G>T (p.Ala448Ser)

Gene: POLR3B (RNA polymerase III subunit B; plus strand). Cytogenetic location: 12q23.3.
Variant type: single nucleotide variant.
Coding change: c.1342G>T on transcript NM_018082.6 (MANE Select); coding-DNA position 1342, G replaced by T.
Protein change: p.Ala448Ser; replaces alanine 448 with serine.
Molecular consequence: missense variant.
Genome position (GRCh38, 1-based): chr12:106,430,351, G>T. VCF-style: chr12-106430351-G-T. GRCh37 (hg19) VCF-style: chr12-106824129-G-T.
Other names: p.Ala448Ser; c.1168G>T, p.Ala390Ser (NM_001160708.2); short protein forms A448S, A390S.
Identifiers: ClinVar variation 4541744 (VCV004541744.2).